The following is an entry in ClinVar:

ClinVar aggregate classification (germline): Uncertain significance (1 of 4 stars; one submission).

Conditions:
Rubinstein-Taybi syndrome due to EP300 haploinsufficiency. Also called: EP300-Related Rubinstein-Taybi Syndrome; RUBINSTEIN-TAYBI SYNDROME 2. Identifiers: Orphanet 353284, Orphanet 783, MedGen C3150941, MONDO:0013364, OMIM 613684.

Allele frequency attached by ClinVar (database versions not stated): gnomAD exomes below 0.00001.
gnomAD v4.1: 2 of 1,614,230 alleles (0.00012%); highest among the groups gnomAD compares: Non-Finnish European, 0.00017%; no homozygotes.

Submission:

Labcorp Genetics (formerly Invitae), Labcorp
Classification: Uncertain significance for Rubinstein-Taybi syndrome due to EP300 haploinsufficiency. Last evaluated: 2023-07-25. Review status: criteria provided, single submitter. Criteria: Invitae Variant Classification Sherloc (09022015). Collection method: clinical testing. Allele origin: germline.
Comment: Advanced modeling of protein sequence and biophysical properties (such as structural, functional, and spatial information, amino acid conservation, physicochemical variation, residue mobility, and thermodynamic stability) performed at Invitae indicates that this missense variant is expected to disrupt EP300 protein function. This variant has not been reported in the literature in individuals affected with EP300-related conditions. This variant is not present in population databases (gnomAD no frequency). This sequence change replaces aspartic acid, which is acidic and polar, with asparagine, which is neutral and polar, at codon 331 of the EP300 protein (p.Asp331Asn). In summary, the available evidence is currently insufficient to determine the role of this variant in disease. Therefore, it has been classified as a Variant of Uncertain Significance.

NM_001429.4(EP300):c.991G>A (p.Asp331Asn)

Gene: EP300 (EP300 lysine acetyltransferase; plus strand). Cytogenetic location: 22q13.2.
Variant type: single nucleotide variant.
Coding change: c.991G>A on transcript NM_001429.4 (MANE Select); coding-DNA position 991, G replaced by A.
Protein change: p.Asp331Asn; replaces aspartic acid 331 with asparagine.
Molecular consequence: missense variant.
Genome position (GRCh38, 1-based): chr22:41,127,571, G>A. VCF-style: chr22-41127571-G-A. GRCh37 (hg19) VCF-style: chr22-41523575-G-A.
Other names: c.991G>A, p.Asp331Asn (NM_001362843.2); short protein forms D331N.
Identifiers: ClinVar variation 2854010 (VCV002854010.3), dbSNP rs2518129853, ClinGen allele CA411683694.
Genomic context (GRCh38, chr22:41,127,571, plus strand): 5'-CAGCAGCCAGGCCTGGTGACTCCAGTTGCCCAAGGGATGGGTTCTGGAGCACATACAGCT[G>A]ATCCAGAGAAGCGCAAGCTCATCCAGCAGCAGCTTGTTCTCCTTTTGCATGCTCACAAGT-3'
Protein context (NP_001420.2, residues 321-341): QGMGSGAHTA[Asp331Asn]PEKRKLIQQQ